The following is an entry in ClinVar:

NM_014264.5(PLK4):c.1328C>T (p.Ser443Phe)

Gene: PLK4 (polo like kinase 4; plus strand). Cytogenetic location: 4q28.1.
Variant type: single nucleotide variant.
Coding change: c.1328C>T on transcript NM_014264.5 (MANE Select); coding-DNA position 1328, C replaced by T.
Protein change: p.Ser443Phe; replaces serine 443 with phenylalanine.
Molecular consequence: missense variant.
Genome position (GRCh38, 1-based): chr4:127,886,698, C>T. VCF-style: chr4-127886698-C-T. GRCh37 (hg19) VCF-style: chr4-128807853-C-T.
Other names: c.1232C>T, p.Ser411Phe (NM_001190799.2); c.1205C>T, p.Ser402Phe (NM_001190801.2); short protein forms S411F, S402F, S443F.
Identifiers: ClinVar variation 1468632 (VCV001468632.6), dbSNP rs2148818386, ClinGen allele CA358154373.

ClinVar aggregate classification (germline): Uncertain significance (1 of 4 stars; one submission).

gnomAD v4.1: 1 of 1,607,434 alleles (0.000062%); highest among the groups gnomAD compares: South Asian, 0.0011%; no homozygotes.

Submission:

Labcorp Genetics (formerly Invitae), Labcorp
Classification: Uncertain significance. Last evaluated: 2021-08-05. Review status: criteria provided, single submitter. Criteria: Invitae Variant Classification Sherloc (09022015). Collection method: clinical testing. Allele origin: germline.
Comment: This sequence change replaces serine with phenylalanine at codon 443 of the PLK4 protein (p.Ser443Phe). The serine residue is moderately conserved and there is a large physicochemical difference between serine and phenylalanine. This variant is not present in population databases (ExAC no frequency). In summary, the available evidence is currently insufficient to determine the role of this variant in disease. Therefore, it has been classified as a Variant of Uncertain Significance. Algorithms developed to predict the effect of missense changes on protein structure and function are either unavailable or do not agree on the potential impact of this missense change (SIFT: "Deleterious"; PolyPhen-2: "Benign"; Align-GVGD: "Class C0"). This variant has not been reported in the literature in individuals affected with PLK4-related conditions.